The following is an entry in ClinVar:

NM_000256.3(MYBPC3):c.1910A>C (p.Asp637Ala)

Gene: MYBPC3 (myosin binding protein C3; minus strand). Cytogenetic location: 11p11.2.
Variant type: single nucleotide variant.
Coding change: c.1910A>C on transcript NM_000256.3 (MANE Select); coding-DNA position 1910, A replaced by C.
Protein change: p.Asp637Ala; replaces aspartic acid 637 with alanine.
Molecular consequence: missense variant.
Genome position (GRCh38, 1-based): chr11:47,341,020, T>G on the plus strand (A>C on the coding strand, the complement: MYBPC3 is on the minus strand). VCF-style: chr11-47341020-T-G. GRCh37 (hg19) VCF-style: chr11-47362571-T-G.
Other names: short protein forms D637A.
Identifiers: ClinVar variation 3075073 (VCV003075073.1), dbSNP rs2495759179, ClinGen allele CA380323328.

ClinVar aggregate classification (germline): Uncertain significance (1 of 4 stars; one submission).

Conditions:
Hypertrophic cardiomyopathy. Also called: HYPERTROPHIC MYOCARDIOPATHY. Identifiers: Orphanet 217569, MedGen C0007194, MeSH D002312, MONDO:0005045, HP:0001639.

Submission:

All of Us Research Program, National Institutes of Health
Classification: Uncertain significance for Hypertrophic cardiomyopathy. Last evaluated: 2023-12-18. Review status: criteria provided, single submitter. Criteria: ACMG Guidelines, 2015. Collection method: clinical testing. Allele origin: germline. Inheritance: Autosomal dominant inheritance. Observed: 1 variant allele, 1 heterozygote.
Comment: This missense variant replaces aspartic acid with alanine at codon 637 of the MYBPC3 protein. Computational prediction suggests that this variant may not impact protein structure and function (internally defined REVEL score threshold <= 0.5, PMID: 27666373). To our knowledge, functional studies have not been reported for this variant. This variant has not been reported in individuals affected with MYBPC3-related disorders in the literature. This variant has not been identified in the general population by the Genome Aggregation Database (gnomAD). The available evidence is insufficient to determine the role of this variant in disease conclusively. Therefore, this variant is classified as a Variant of Uncertain Significance.

This study involves interpretation of variants in research participants for the purpose of population health screening. Participant phenotype was not available at the time of variant classification. Additional details can be found in publication PMID: 35346344, PMCID: PMC8962531